The following is an entry in ClinVar:

NM_153704.6(TMEM67):c.511G>T (p.Val171Phe)

Gene: TMEM67 (transmembrane protein 67; plus strand). Cytogenetic location: 8q22.1.
Variant type: single nucleotide variant.
Coding change: c.511G>T on transcript NM_153704.6 (MANE Select); coding-DNA position 511, G replaced by T.
Protein change: p.Val171Phe; replaces valine 171 with phenylalanine.
Molecular consequence: missense variant. On other transcripts: non-coding transcript variant (1).
Genome position (GRCh38, 1-based): chr8:93,765,410, G>T. VCF-style: chr8-93765410-G-T. GRCh37 (hg19) VCF-style: chr8-94777638-G-T.
Other names: c.268G>T, p.Val90Phe (NM_001142301.1); short protein forms V171F, V90F.
Identifiers: ClinVar variation 3748561 (VCV003748561.2).

ClinVar aggregate classification (germline): Pathogenic (1 of 4 stars; one submission).

Conditions:
Joubert syndrome. Also called: CEREBELLOPARENCHYMAL DISORDER IV; JOUBERT-BOLTSHAUSER SYNDROME; Familial aplasia of the vermis. Identifiers: Orphanet 475, MedGen C5979921, MONDO:0018772.
Meckel-Gruber syndrome. Also called: DYSENCEPHALIA SPLANCHNOCYSTICA; GRUBER SYNDROME; Dysencephalia splachnocystica. Identifiers: Orphanet 564, MedGen C0265215, MONDO:0018921.

Submission:

Labcorp Genetics (formerly Invitae), Labcorp
Classification: Pathogenic for Joubert syndrome; Meckel-Gruber syndrome. Last evaluated: 2024-03-21. Review status: criteria provided, single submitter. Criteria: Invitae Variant Classification Sherloc (09022015). Collection method: clinical testing. Allele origin: germline.
Comment: This sequence change replaces valine, which is neutral and non-polar, with phenylalanine, which is neutral and non-polar, at codon 171 of the TMEM67 protein (p.Val171Phe). This variant is not present in population databases (gnomAD no frequency). This missense change has been observed in individual(s) with Joubert syndrome (PMID: 35140360). In at least one individual the data is consistent with being in trans (on the opposite chromosome) from a pathogenic variant. It has also been observed to segregate with disease in related individuals. Advanced modeling of protein sequence and biophysical properties (such as structural, functional, and spatial information, amino acid conservation, physicochemical variation, residue mobility, and thermodynamic stability) performed at Invitae indicates that this missense variant is expected to disrupt TMEM67 protein function with a positive predictive value of 95%. For these reasons, this variant has been classified as Pathogenic.

Literature cited by the submitters: PubMed 35140360.